The following is an entry in ClinVar:

ClinVar aggregate classification (germline): Uncertain significance (1 of 4 stars; one submission).

Allele frequency attached by ClinVar (database versions not stated): gnomAD exomes below 0.00001.
gnomAD v4.1: 6 of 1,614,130 alleles (0.00037%); highest among the groups gnomAD compares: Non-Finnish European, 0.00051%; no homozygotes.

Submission:

Labcorp Genetics (formerly Invitae), Labcorp
Classification: Uncertain significance. Last evaluated: 2021-12-23. Review status: criteria provided, single submitter. Criteria: Invitae Variant Classification Sherloc (09022015). Collection method: clinical testing. Allele origin: germline.
Comment: This variant has not been reported in the literature in individuals affected with MYH3-related conditions. Algorithms developed to predict the effect of missense changes on protein structure and function (SIFT, PolyPhen-2, Align-GVGD) all suggest that this variant is likely to be disruptive. In summary, the available evidence is currently insufficient to determine the role of this variant in disease. Therefore, it has been classified as a Variant of Uncertain Significance. This variant is not present in population databases (gnomAD no frequency). This sequence change replaces lysine, which is basic and polar, with arginine, which is basic and polar, at codon 1364 of the MYH3 protein (p.Lys1364Arg).

NM_002470.4(MYH3):c.4091A>G (p.Lys1364Arg)

Gene: MYH3 (myosin heavy chain 3; minus strand). Cytogenetic location: 17p13.1.
Variant type: single nucleotide variant.
Coding change: c.4091A>G on transcript NM_002470.4 (MANE Select); coding-DNA position 4091, A replaced by G.
Protein change: p.Lys1364Arg; replaces lysine 1364 with arginine.
Molecular consequence: missense variant.
Genome position (GRCh38, 1-based): chr17:10,635,448, T>C on the plus strand (A>G on the coding strand, the complement: MYH3 is on the minus strand). VCF-style: chr17-10635448-T-C. GRCh37 (hg19) VCF-style: chr17-10538765-T-C.
Other names: short protein forms K1364R.
Identifiers: ClinVar variation 2055973 (VCV002055973.4), dbSNP rs2508583127, ClinGen allele CA398144907.